The following is an entry in ClinVar:

NM_001276270.2(MBD4):c.1682A>G (p.His561Arg)

Gene: MBD4 (methyl-CpG binding domain 4, DNA glycosylase; minus strand). Cytogenetic location: 3q21.3.
Variant type: single nucleotide variant.
Coding change: c.1682A>G on transcript NM_001276270.2 (MANE Select); coding-DNA position 1682, A replaced by G.
Protein change: p.His561Arg; replaces histidine 561 with arginine.
Molecular consequence: missense variant. On other transcripts: 3 prime UTR variant (1).
Genome position (GRCh38, 1-based): chr3:129,431,544, T>C on the plus strand (A>G on the coding strand, the complement: MBD4 is on the minus strand). VCF-style: chr3-129431544-T-C. GRCh37 (hg19) VCF-style: chr3-129150387-T-C.
Other names: c.*24A>G (NM_001276272.2); c.746A>G, p.His249Arg (NM_001276273.2); c.1700A>G, p.His567Arg (NM_003925.3); short protein forms H249R, H567R, H561R.
Identifiers: ClinVar variation 2778045 (VCV002778045.3), dbSNP rs1355254950, ClinGen allele CA354464198.

ClinVar aggregate classification (germline): Uncertain significance (1 of 4 stars; one submission).

Allele frequency attached by ClinVar (database versions not stated): gnomAD exomes below 0.00001; TOPMed below 0.00001; gnomAD 0.00001.

Submission:

Labcorp Genetics (formerly Invitae), Labcorp
Classification: Uncertain significance. Last evaluated: 2024-07-19. Review status: criteria provided, single submitter. Criteria: Invitae Variant Classification Sherloc (09022015). Collection method: clinical testing. Allele origin: germline.
Comment: This sequence change replaces histidine, which is basic and polar, with arginine, which is basic and polar, at codon 567 of the MBD4 protein (p.His567Arg). This variant is not present in population databases (gnomAD no frequency). This variant has not been reported in the literature in individuals affected with MBD4-related conditions. An algorithm developed to predict the effect of missense changes on protein structure and function (PolyPhen-2) suggests that this variant is likely to be disruptive. In summary, the available evidence is currently insufficient to determine the role of this variant in disease. Therefore, it has been classified as a Variant of Uncertain Significance.